The following is an entry in ClinVar:

NM_014795.4(ZEB2):c.1410T>A (p.Thr470=)

Gene: ZEB2 (zinc finger E-box binding homeobox 2; minus strand). Cytogenetic location: 2q22.3.
Variant type: single nucleotide variant.
Coding change: c.1410T>A on transcript NM_014795.4 (MANE Select); coding-DNA position 1410, T replaced by A.
Protein change: p.Thr470=; no amino-acid change (threonine 470 retained).
Molecular consequence: synonymous variant.
Genome position (GRCh38, 1-based): chr2:144,399,777, A>T on the plus strand (T>A on the coding strand, the complement: ZEB2 is on the minus strand). VCF-style: chr2-144399777-A-T. GRCh37 (hg19) VCF-style: chr2-145157344-A-T.
Other names: p.T470T:ACT>ACA; c.1338T>A, p.Thr446= (NM_001171653.2).
Identifiers: ClinVar variation 95621 (VCV000095621.28), dbSNP rs34890427, ClinGen allele CA148670.

ClinVar aggregate classification (germline): Benign/Likely benign. Review status: criteria provided, multiple submitters, no conflicts (2 of 4 stars). 8 submissions from 8 submitters: Benign (6); Likely benign (2). Last evaluated 2026-01-05.

Conditions:
Inborn genetic diseases. Identifiers: MedGen C0950123, MeSH D030342.
Mowat-Wilson syndrome (MOWS). Also called: Classic Mowat-Wilson Syndrome. Identifiers: Orphanet 2152, MedGen C1856113, MONDO:0009341, OMIM 235730.

Allele frequency attached by ClinVar (database versions not stated): ExAC 0.00082; 1000 Genomes Project 0.00220; 1000 Genomes Project 30x 0.00265; TOPMed 0.00284; ESP Exome Variant Server 0.00315.
gnomAD v4.1: 701 of 1,613,996 alleles (0.043%); highest among the groups gnomAD compares: African/African-American, 0.82%; 4 homozygotes.

Submissions (8):

Labcorp Genetics (formerly Invitae), Labcorp
Classification: Benign for Mowat-Wilson syndrome. Last evaluated: 2026-01-05. Review status: criteria provided, single submitter. Criteria: Invitae Variant Classification Sherloc (09022015). Collection method: clinical testing. Allele origin: germline.

Blueprint Genetics
Classification: Likely benign. Last evaluated: 2024-06-24. Review status: criteria provided, single submitter. Criteria: ACMG Guidelines, 2015. Collection method: clinical testing. Allele origin: germline.

Genome-Nilou Lab
Classification: Benign for Mowat-Wilson syndrome. Last evaluated: 2021-11-07. Review status: criteria provided, single submitter. Criteria: ACMG Guidelines, 2015. Collection method: clinical testing. Allele origin: germline. Affected: no.

Ambry Genetics
Classification: Likely benign for Inborn genetic diseases. Last evaluated: 2016-07-26. Review status: criteria provided, single submitter. Criteria: Ambry Variant Classification Scheme 2023. Collection method: clinical testing. Allele origin: germline.

Genetic Services Laboratory, University of Chicago
Classification: Benign. Last evaluated: 2016-03-30. Review status: criteria provided, single submitter. Criteria: ACMG Guidelines, 2015. Collection method: clinical testing. Allele origin: germline. Affected: no.

GeneDx
Classification: Benign. Last evaluated: 2014-03-14. Review status: criteria provided, single submitter. Criteria: GeneDx Variant Classification (06012015). Collection method: clinical testing. Allele origin: germline. Affected: yes.
Comment: This variant is considered likely benign or benign based on one or more of the following criteria: it is a conservative change, it occurs at a poorly conserved position in the protein, it is predicted to be benign by multiple in silico algorithms, and/or has population frequency not consistent with disease.

Eurofins Ntd Llc (ga)
Classification: Benign. Last evaluated: 2013-03-11. Review status: criteria provided, single submitter. Criteria: EGL Classification Definitions 2015. Collection method: clinical testing. Allele origin: germline. Observed: 2 variant alleles, 2 heterozygotes.

PreventionGenetics, part of Exact Sciences
Classification: Benign. Review status: criteria provided, single submitter. Criteria: ACMG Guidelines, 2015. Collection method: clinical testing. Allele origin: germline.